The following is an entry in ClinVar:

NM_016653.3(MAP3K20):c.1303A>T (p.Ile435Leu)

Genes: MAP3K20 (mitogen-activated protein kinase kinase kinase 20; plus strand), MAP3K20-AS1 (MAP3K20 antisense RNA 1; minus strand). Cytogenetic location: 2q31.1.
Variant type: single nucleotide variant.
Coding change: c.1303A>T on transcript NM_016653.3 (MANE Select); coding-DNA position 1303, A replaced by T.
Protein change: p.Ile435Leu; replaces isoleucine 435 with leucine.
Molecular consequence: missense variant.
Genome position (GRCh38, 1-based): chr2:173,239,440, A>T. VCF-style: chr2-173239440-A-T. GRCh37 (hg19) VCF-style: chr2-174104168-A-T.
Other names: short protein forms I435L.
Identifiers: ClinVar variation 1448777 (VCV001448777.3), dbSNP rs779003244, ClinGen allele CA1970800.

ClinVar aggregate classification (germline): Uncertain significance (1 of 4 stars; one submission).

Allele frequency attached by ClinVar (database versions not stated): ExAC 0.00001; gnomAD exomes 0.00002.
gnomAD v4.1: 16 of 1,613,634 alleles (0.00099%); highest among the groups gnomAD compares: Admixed American, 0.0067%; no homozygotes.

Submission:

Labcorp Genetics (formerly Invitae), Labcorp
Classification: Uncertain significance. Last evaluated: 2021-05-08. Review status: criteria provided, single submitter. Criteria: Invitae Variant Classification Sherloc (09022015). Collection method: clinical testing. Allele origin: germline.
Comment: This sequence change replaces isoleucine with leucine at codon 435 of the MAP3K20 protein (p.Ile435Leu). The isoleucine residue is weakly conserved and there is a small physicochemical difference between isoleucine and leucine. This variant is present in population databases (rs779003244, ExAC 0.002%). This variant has not been reported in the literature in individuals with MAP3K20-related conditions. Experimental studies and prediction algorithms are not available or were not evaluated, and the functional significance of this variant is currently unknown. In summary, the available evidence is currently insufficient to determine the role of this variant in disease. Therefore, it has been classified as a Variant of Uncertain Significance.